The following is an entry in ClinVar:

NM_001352514.2(HLCS):c.1970G>C (p.Gly657Ala)

Gene: HLCS (holocarboxylase synthetase; minus strand). Cytogenetic location: 21q22.13.
Variant type: single nucleotide variant.
Coding change: c.1970G>C on transcript NM_001352514.2 (MANE Select); coding-DNA position 1970, G replaced by C.
Protein change: p.Gly657Ala; replaces glycine 657 with alanine.
Molecular consequence: missense variant. On other transcripts: non-coding transcript variant (2).
Genome position (GRCh38, 1-based): chr21:36,765,163, C>G on the plus strand (G>C on the coding strand, the complement: HLCS is on the minus strand). VCF-style: chr21-36765163-C-G. GRCh37 (hg19) VCF-style: chr21-38137464-C-G.
Other names: c.1529G>C (NM_000411.6); c.1529G>C, p.Gly510Ala (NM_000411.8, NM_001242784.3, NM_001242785.2 and 4 more transcripts); short protein forms G657A, G510A.
Identifiers: ClinVar variation 2200915 (VCV002200915.2), dbSNP rs139216349, ClinGen allele CA10020394.

ClinVar aggregate classification (germline): Uncertain significance. Review status: criteria provided, multiple submitters, no conflicts (2 of 4 stars). 2 submissions from 2 submitters: Uncertain significance (2). Last evaluated 2025-09-05.

Conditions:
Holocarboxylase synthetase deficiency. Also called: MULTIPLE CARBOXYLASE DEFICIENCY, EARLY ONSET. Identifiers: Orphanet 79242, MedGen C0268581, MONDO:0009666, OMIM 253270.
Inborn genetic diseases. Identifiers: MedGen C0950123, MeSH D030342.

Allele frequency attached by ClinVar (database versions not stated): TOPMed below 0.00001; ESP Exome Variant Server 0.00008.
gnomAD v4.1: 25 of 1,614,072 alleles (0.0015%); highest among the groups gnomAD compares: Non-Finnish European, 0.002%; no homozygotes.

Submissions (2):

Ambry Genetics
Classification: Uncertain significance for Inborn genetic diseases. Last evaluated: 2025-09-05. Review status: criteria provided, single submitter. Criteria: Ambry Variant Classification Scheme 2023. Collection method: clinical testing. Allele origin: germline.

Labcorp Genetics (formerly Invitae), Labcorp
Classification: Uncertain significance for Holocarboxylase synthetase deficiency. Last evaluated: 2022-03-01. Review status: criteria provided, single submitter. Criteria: Invitae Variant Classification Sherloc (09022015). Collection method: clinical testing. Allele origin: germline.
Comment: This sequence change replaces glycine, which is neutral and non-polar, with alanine, which is neutral and non-polar, at codon 510 of the HLCS protein (p.Gly510Ala). This variant is present in population databases (rs139216349, gnomAD 0.002%). This variant has not been reported in the literature in individuals affected with HLCS-related conditions. Advanced modeling of protein sequence and biophysical properties (such as structural, functional, and spatial information, amino acid conservation, physicochemical variation, residue mobility, and thermodynamic stability) performed at Invitae indicates that this missense variant is not expected to disrupt HLCS protein function. Algorithms developed to predict the effect of sequence changes on RNA splicing suggest that this variant may create or strengthen a splice site. In summary, the available evidence is currently insufficient to determine the role of this variant in disease. Therefore, it has been classified as a Variant of Uncertain Significance.